The following is an entry in ClinVar:

ClinVar aggregate classification (germline): Pathogenic. Review status: criteria provided, single submitter (1 of 4 stars). 2 submissions from 2 submitters: Pathogenic (1). 1 of the submissions does not count toward it. Last evaluated 2023-08-10.

Conditions:
Familial long QT syndrome (RWS). Also called: Congenital long QT syndrome; Romano-Ward syndrome; VENTRICULAR FIBRILLATION WITH PROLONGED QT INTERVAL. Identifiers: Orphanet 768, MedGen C1141890, MONDO:0019171.
Long QT syndrome (LQTS). Identifiers: MedGen C0023976, MeSH D008133, MONDO:0002442. Disease mechanism: loss of function. Inheritance: Various modes of inheritance.

Submissions (2):

Labcorp Genetics (formerly Invitae), Labcorp
Classification: Pathogenic for Long QT syndrome. Last evaluated: 2023-08-10. Review status: criteria provided, single submitter. Criteria: Invitae Variant Classification Sherloc (09022015). Collection method: clinical testing. Allele origin: germline.
Comment: For these reasons, this variant has been classified as Pathogenic. This sequence change replaces arginine, which is basic and polar, with proline, which is neutral and non-polar, at codon 366 of the KCNQ1 protein (p.Arg366Pro). This variant is not present in population databases (gnomAD no frequency). This missense change has been observed in individuals with Long QT syndrome (PMID: 9024139; Invitae). This variant is also known as R237P. ClinVar contains an entry for this variant (Variation ID: 52957). Advanced modeling of protein sequence and biophysical properties (such as structural, functional, and spatial information, amino acid conservation, physicochemical variation, residue mobility, and thermodynamic stability) performed at Invitae indicates that this missense variant is expected to disrupt KCNQ1 protein function. Experimental studies have shown that this missense change affects KCNQ1 function (PMID: 16556865). This variant disrupts the p.Arg366 amino acid residue in KCNQ1. Other variant(s) that disrupt this residue have been determined to be pathogenic (PMID: 14678125, 15935335, 19934648, 23158531, 23861489, 24689698, 25804018, 26669661). This suggests that this residue is clinically significant, and that variants that disrupt this residue are likely to be disease-causing.

Cardiovascular Biomedical Research Unit, Royal Brompton & Harefield NHS Foundation Trust
No classification provided. Condition: Familial long QT syndrome. Review status: no classification provided. Collection method: literature only. Allele origin: germline. Not counted in ClinVar's aggregate classification.
Comment: This variant has been reported as associated with Long QT syndrome in the following publications (PMID:9024139). This is a literature report, and does not necessarily reflect the clinical interpretation of the Imperial College / Royal Brompton Cardiovascular Genetics laboratory.

Literature cited by the submitters: PubMed 9024139 (cited by Labcorp Genetics (formerly Invitae), Labcorp and Cardiovascular Biomedical Research Unit, Royal Brompton & Harefield NHS Foundation Trust); PubMed 16556865 (cited by Labcorp Genetics (formerly Invitae), Labcorp); PubMed 14678125 (cited by Labcorp Genetics (formerly Invitae), Labcorp); PubMed 15935335 (cited by Labcorp Genetics (formerly Invitae), Labcorp); PubMed 19934648 (cited by Labcorp Genetics (formerly Invitae), Labcorp); PubMed 23158531 (cited by Labcorp Genetics (formerly Invitae), Labcorp); PubMed 23861489 (cited by Labcorp Genetics (formerly Invitae), Labcorp); PubMed 24689698 (cited by Labcorp Genetics (formerly Invitae), Labcorp); PubMed 25804018 (cited by Labcorp Genetics (formerly Invitae), Labcorp); PubMed 26669661 (cited by Labcorp Genetics (formerly Invitae), Labcorp); PubMed 22581653 (cited by Cardiovascular Biomedical Research Unit, Royal Brompton & Harefield NHS Foundation Trust).

NM_000218.3(KCNQ1):c.1097G>C (p.Arg366Pro)

Gene: KCNQ1 (potassium voltage-gated channel subfamily Q member 1; plus strand). Cytogenetic location: 11p15.5.
Variant type: single nucleotide variant.
Coding change: c.1097G>C on transcript NM_000218.3 (MANE Select); coding-DNA position 1097, G replaced by C.
Protein change: p.Arg366Pro; replaces arginine 366 with proline.
Molecular consequence: missense variant.
Genome position (GRCh38, 1-based): chr11:2,585,276, G>C. VCF-style: chr11-2585276-G-C. GRCh37 (hg19) VCF-style: chr11-2606506-G-C.
Other names: c.1097G>C (LRG_287t1); c.827G>C, p.Arg276Pro (NM_001406837.1); c.716G>C, p.Arg239Pro (NM_181798.2); short protein forms R366P, R239P, R276P.
Identifiers: ClinVar variation 52957 (VCV000052957.8), dbSNP rs199473410, ClinGen allele CA005270.